The following is an entry in ClinVar:

ClinVar aggregate classification (germline): Uncertain significance (1 of 4 stars; one submission).

Allele frequency attached by ClinVar (database versions not stated): gnomAD exomes below 0.00001.
gnomAD v4.1: 4 of 1,613,970 alleles (0.00025%); highest among the groups gnomAD compares: Non-Finnish European, 0.00034%; no homozygotes.

Submission:

Laboratory for Molecular Medicine, Mass General Brigham Personalized Medicine
Classification: Uncertain significance. Last evaluated: 2012-06-11. Review status: criteria provided, single submitter. Criteria: LMM Criteria. Collection method: clinical testing. Allele origin: germline. Observed: 1 variant allele.
Comment: The Asn1669Asp variant in RYR2 has not been identified in large and broad popula tions by the NHLBI Exome Sequencing Project. This low frequency is consistent with a disease causing role but insufficient to establish this with confidence. Computational analyses (biochemical amino acid properties, conservation, PolyPhen2, and SIFT) suggest that the Asn1669Asp varia nt may impact the protein, though this information is not predictive enough to d etermine pathogenicity. Additional information is needed to fully assess the cli nical significance of the Asn1669Asp variant.

NM_001035.3(RYR2):c.5005A>G (p.Asn1669Asp)

Gene: RYR2 (ryanodine receptor 2; plus strand). Cytogenetic location: 1q43.
Variant type: single nucleotide variant.
Coding change: c.5005A>G on transcript NM_001035.3 (MANE Select); coding-DNA position 5005, A replaced by G.
Protein change: p.Asn1669Asp; replaces asparagine 1669 with aspartic acid.
Molecular consequence: missense variant.
Genome position (GRCh38, 1-based): chr1:237,614,133, A>G. VCF-style: chr1-237614133-A-G. GRCh37 (hg19) VCF-style: chr1-237777433-A-G.
Other names: short protein forms N1669D.
Identifiers: ClinVar variation 43799 (VCV000043799.5), dbSNP rs397516538, ClinGen allele CA009757.